The following is an entry in ClinVar:

NM_005462.5(MAGEC1):c.1136C>G (p.Pro379Arg)

Gene: MAGEC1 (MAGE family member C1; plus strand). Cytogenetic location: Xq27.2.
Variant type: single nucleotide variant.
Coding change: c.1136C>G on transcript NM_005462.5 (MANE Select); coding-DNA position 1136, C replaced by G.
Protein change: p.Pro379Arg; replaces proline 379 with arginine.
Molecular consequence: missense variant.
Genome position (GRCh38, 1-based): chrX:141,906,540, C>G. VCF-style: chrX-141906540-C-G. GRCh37 (hg19) VCF-style: chrX-140994326-C-G.
Other names: short protein forms P379R.
Identifiers: ClinVar variation 3122130 (VCV003122130.9), dbSNP rs760984005, ClinGen allele CA10533556.

ClinVar aggregate classification (germline): Conflicting classifications of pathogenicity. Review status: criteria provided, conflicting classifications (1 of 4 stars). 2 submissions from 2 submitters: Uncertain significance (1); Likely benign (1). Last evaluated 2026-01-01.

Allele frequency attached by ClinVar (database versions not stated): gnomAD exomes 0.00005; ExAC 0.00008; 1000 Genomes Project 30x 0.00021.
gnomAD v4.1: 62 of 1,194,407 alleles (0.0052%); highest among the groups gnomAD compares: East Asian, 0.024%; no homozygotes.

Submissions (2):

CeGaT Center for Human Genetics Tuebingen
Classification: Likely benign. Last evaluated: 2026-01-01. Review status: criteria provided, single submitter. Criteria: CeGaT Center For Human Genetics Tuebingen Variant Classification Criteria Version 2. Collection method: clinical testing. Allele origin: germline. Affected: yes. Observed: 2 variant alleles.
Comment: MAGEC1: BP4, BS2

Ambry Genetics
Classification: Uncertain significance. Last evaluated: 2023-12-16. Review status: criteria provided, single submitter. Criteria: Ambry Variant Classification Scheme 2023. Collection method: clinical testing. Allele origin: germline.